The following is an entry in ClinVar:

ClinVar aggregate classification (germline): Benign. Review status: criteria provided, multiple submitters, no conflicts (2 of 4 stars). 3 submissions from 3 submitters: Benign (2). 1 of the submissions does not count toward it. Last evaluated 2026-01-11.

Conditions:
EXPH5-related disorder. Also called: EXPH5-related condition.

Allele frequency attached by ClinVar (database versions not stated): 1000 Genomes Project 30x 0.00547; ExAC 0.01003; gnomAD exomes 0.00937; 1000 Genomes Project 0.00519; ESP Exome Variant Server 0.01077.
gnomAD v4.1: 20,994 of 1,612,730 alleles (1.3%); highest among the groups gnomAD compares: Non-Finnish European, 1.6%; 220 homozygotes.

Submissions (3):

Labcorp Genetics (formerly Invitae), Labcorp
Classification: Benign. Last evaluated: 2026-01-11. Review status: criteria provided, single submitter. Criteria: Invitae Variant Classification Sherloc (09022015). Collection method: clinical testing. Allele origin: germline.

Breakthrough Genomics
Classification: Benign. Review status: criteria provided, single submitter. Criteria: ACMG Guidelines, 2015. Collection method: not provided. Allele origin: germline. Inheritance: Autosomal recessive inheritance. Affected: yes.

PreventionGenetics, part of Exact Sciences
Classification: Benign for EXPH5-related condition. Last evaluated: 2023-11-30. Review status: no assertion criteria provided. Collection method: clinical testing. Allele origin: germline. Not counted in ClinVar's aggregate classification.
Comment: This variant is classified as benign based on ACMG/AMP sequence variant interpretation guidelines (Richards et al. 2015 PMID: 25741868, with internal and published modifications).

NM_015065.3(EXPH5):c.2213C>G (p.Ser738Cys)

Gene: EXPH5 (exophilin 5; minus strand). Cytogenetic location: 11q22.3.
Variant type: single nucleotide variant.
Coding change: c.2213C>G on transcript NM_015065.3 (MANE Select); coding-DNA position 2213, C replaced by G.
Protein change: p.Ser738Cys; replaces serine 738 with cysteine.
Molecular consequence: missense variant.
Genome position (GRCh38, 1-based): chr11:108,513,294, G>C on the plus strand (C>G on the coding strand, the complement: EXPH5 is on the minus strand). VCF-style: chr11-108513294-G-C. GRCh37 (hg19) VCF-style: chr11-108384021-G-C.
Other names: c.1985C>G, p.Ser662Cys (NM_001144763.2); c.1745C>G, p.Ser582Cys (NM_001144764.2); c.1649C>G, p.Ser550Cys (NM_001144765.2); c.2192C>G, p.Ser731Cys (NM_001308019.2); c.2213C>G (NM_015065.2); short protein forms S550C, S582C, S662C, S731C, S738C.
Identifiers: ClinVar variation 1570375 (VCV001570375.11), dbSNP rs76626971, ClinGen allele CA6267912.
Genomic context (GRCh38, chr11:108,513,294, plus strand): 5'-AAACCAAACCCGTTGCTCTTGGCTGAGTCCTGGGATAAGGGATTTTGAAAATCAGGTAAA[G>C]AGTTTGAGATCCCTGTCTGTGAAACAGGTTGGGGTATTTCACCTGCCTTGTTTGTCTGGT-3'
Protein context (NP_055880.2, residues 728-748): QPVSQTGISN[Ser738Cys]LPDFQNPLSQ